The following is an entry in ClinVar:

ClinVar aggregate classification (germline): Uncertain significance (1 of 4 stars; one submission).

Submission:

Labcorp Genetics (formerly Invitae), Labcorp
Classification: Uncertain significance. Last evaluated: 2022-12-04. Review status: criteria provided, single submitter. Criteria: Invitae Variant Classification Sherloc (09022015). Collection method: clinical testing. Allele origin: germline.
Comment: In summary, the available evidence is currently insufficient to determine the role of this variant in disease. Therefore, it has been classified as a Variant of Uncertain Significance. Advanced modeling of protein sequence and biophysical properties (such as structural, functional, and spatial information, amino acid conservation, physicochemical variation, residue mobility, and thermodynamic stability) performed at Invitae indicates that this missense variant is not expected to disrupt CHD4 protein function. This variant has not been reported in the literature in individuals affected with CHD4-related conditions. This variant is not present in population databases (gnomAD no frequency). This sequence change replaces aspartic acid, which is acidic and polar, with glycine, which is neutral and non-polar, at codon 312 of the CHD4 protein (p.Asp312Gly).

NM_001273.5(CHD4):c.935A>G (p.Asp312Gly)

Gene: CHD4 (chromodomain helicase DNA binding protein 4; minus strand). Cytogenetic location: 12p13.31.
Variant type: single nucleotide variant.
Coding change: c.935A>G on transcript NM_001273.5 (MANE Select); coding-DNA position 935, A replaced by G.
Protein change: p.Asp312Gly; replaces aspartic acid 312 with glycine.
Molecular consequence: missense variant.
Genome position (GRCh38, 1-based): chr12:6,600,662, T>C on the plus strand (A>G on the coding strand, the complement: CHD4 is on the minus strand). VCF-style: chr12-6600662-T-C. GRCh37 (hg19) VCF-style: chr12-6709828-T-C.
Other names: c.914A>G, p.Asp305Gly (NM_001297553.2); c.935A>G, p.Asp312Gly (NM_001363606.2); short protein forms D312G, D305G.
Identifiers: ClinVar variation 2808520 (VCV002808520.3), dbSNP rs2540412555, ClinGen allele CA383602004.
Genomic context (GRCh38, chr12:6,600,662, plus strand): 5'-GAAACAGAATAGCTATTGATACTGGCATCATCGAAGTCAGATTCCACATCTAAGTCATCA[T>C]CCTCACTCTGGCAGGATGAAAAAGAATAAGGTTAGACGTTCAAGCCAAGGGGAAGGACAG-3'
Protein context (NP_001264.2, residues 302-322): GSKRKRSSSE[Asp312Gly]DDLDVESDFD